The following is an entry in ClinVar:

ClinVar aggregate classification (germline): Uncertain significance (1 of 4 stars; one submission).

Allele frequency attached by ClinVar (database versions not stated): gnomAD exomes below 0.00001.
gnomAD v4.1: 3 of 1,612,580 alleles (0.00019%); highest among the groups gnomAD compares: Non-Finnish European, 0.00025%; no homozygotes.

Submission:

Labcorp Genetics (formerly Invitae), Labcorp
Classification: Uncertain significance. Last evaluated: 2024-10-25. Review status: criteria provided, single submitter. Criteria: Invitae Variant Classification Sherloc (09022015). Collection method: clinical testing. Allele origin: germline.
Comment: This sequence change replaces valine, which is neutral and non-polar, with phenylalanine, which is neutral and non-polar, at codon 829 of the RBP3 protein (p.Val829Phe). This variant is not present in population databases (gnomAD no frequency). This variant has not been reported in the literature in individuals affected with RBP3-related conditions. ClinVar contains an entry for this variant (Variation ID: 1438792). Invitae Evidence Modeling of protein sequence and biophysical properties (such as structural, functional, and spatial information, amino acid conservation, physicochemical variation, residue mobility, and thermodynamic stability) indicates that this missense variant is not expected to disrupt RBP3 protein function with a negative predictive value of 80%. In summary, the available evidence is currently insufficient to determine the role of this variant in disease. Therefore, it has been classified as a Variant of Uncertain Significance.

NM_002900.3(RBP3):c.2485G>T (p.Val829Phe)

Gene: RBP3 (retinol binding protein 3; plus strand). Cytogenetic location: 10q11.22.
Variant type: single nucleotide variant.
Coding change: c.2485G>T on transcript NM_002900.3 (MANE Select); coding-DNA position 2485, G replaced by T.
Protein change: p.Val829Phe; replaces valine 829 with phenylalanine.
Molecular consequence: missense variant.
Genome position (GRCh38, 1-based): chr10:47,350,969, G>T. VCF-style: chr10-47350969-G-T. GRCh37 (hg19) VCF-style: chr10-48388393-C-A.
Other names: short protein forms V829F.
Identifiers: ClinVar variation 1438792 (VCV001438792.8), dbSNP rs1555211482, ClinGen allele CA376673259.